The following is an entry in ClinVar:

ClinVar aggregate classification (germline): Conflicting classifications of pathogenicity. Review status: criteria provided, conflicting classifications (1 of 4 stars). 9 submissions from 7 submitters: Uncertain significance (5); Benign (1); Likely benign (2). 1 of the submissions does not count toward it. Last evaluated 2025-10-08.

Conditions:
Usher syndrome type 1 (USH1). Also called: RETINITIS PIGMENTOSA AND CONGENITAL DEAFNESS. Identifiers: Orphanet 231169, Orphanet 886, MedGen C1568247, MONDO:0010168, OMIM 276900.
Usher syndrome type 1D (USH1D). Also called: USHER SYNDROME, TYPE ID. Identifiers: Orphanet 231169, Orphanet 886, MedGen C1832845, MONDO:0010984, OMIM 601067.
Autosomal recessive nonsyndromic hearing loss 12. Also called: DEAFNESS, AUTOSOMAL RECESSIVE 12. Identifiers: Orphanet 90636, MedGen C1832394, MONDO:0011067, OMIM 601386.
Inborn genetic diseases. Identifiers: MedGen C0950123, MeSH D030342.

Allele frequency attached by ClinVar (database versions not stated): gnomAD 0.00004 and 0.00007; TOPMed 0.00005; ESP Exome Variant Server 0.00008; gnomAD exomes 0.00008 and 0.00015; ExAC 0.00014; 1000 Genomes Project 30x 0.00016; 1000 Genomes Project 0.00020.
gnomAD v4.1: 134 of 1,613,916 alleles (0.0083%); highest among the groups gnomAD compares: Middle Eastern, 0.066%; 2 homozygotes.

Submissions (9):

Labcorp Genetics (formerly Invitae), Labcorp
Classification: Benign. Last evaluated: 2025-10-08. Review status: criteria provided, single submitter. Criteria: Invitae Variant Classification Sherloc (09022015). Collection method: clinical testing. Allele origin: germline.

Ambry Genetics
Classification: Uncertain significance for Inborn genetic diseases. Last evaluated: 2025-05-18. Review status: criteria provided, single submitter. Criteria: Ambry Variant Classification Scheme 2023. Collection method: clinical testing. Allele origin: germline.

Blueprint Genetics
Classification: Likely benign. Last evaluated: 2023-04-25. Review status: criteria provided, single submitter. Criteria: ACMG Guidelines, 2015. Collection method: clinical testing. Allele origin: germline.

Genome-Nilou Lab
Classification: Uncertain significance for Autosomal recessive nonsyndromic hearing loss 12. Last evaluated: 2021-07-14. Review status: criteria provided, single submitter. Criteria: ACMG Guidelines, 2015. Collection method: clinical testing. Allele origin: germline. Affected: no.

Genome-Nilou Lab
Classification: Uncertain significance for Usher syndrome type 1D. Last evaluated: 2021-07-14. Review status: criteria provided, single submitter. Criteria: ACMG Guidelines, 2015. Collection method: clinical testing. Allele origin: germline. Affected: no.

GeneDx
Classification: Likely benign. Last evaluated: 2018-06-05. Review status: criteria provided, single submitter. Criteria: GeneDx Variant Classification (06012015). Collection method: clinical testing. Allele origin: germline. Affected: yes.
Comment: This variant is considered likely benign or benign based on one or more of the following criteria: it is a conservative change, it occurs at a poorly conserved position in the protein, it is predicted to be benign by multiple in silico algorithms, and/or has population frequency not consistent with disease.

Illumina Laboratory Services, Illumina
Classification: Uncertain significance for Autosomal recessive nonsyndromic hearing loss 12. Last evaluated: 2018-01-13. Review status: criteria provided, single submitter. Criteria: ICSL Variant Classification Criteria 13 December 2019. Collection method: clinical testing. Allele origin: germline.

Illumina Laboratory Services, Illumina
Classification: Uncertain significance for Usher syndrome type 1D. Last evaluated: 2018-01-13. Review status: criteria provided, single submitter. Criteria: ICSL Variant Classification Criteria 13 December 2019. Collection method: clinical testing. Allele origin: germline.

Natera, Inc.
Classification: Likely benign for Usher syndrome type 1. Last evaluated: 2020-04-17. Review status: no assertion criteria provided. Collection method: clinical testing. Allele origin: germline. Not counted in ClinVar's aggregate classification.

NM_022124.6(CDH23):c.8444G>A (p.Arg2815His)

Gene: CDH23 (cadherin related 23; plus strand). Cytogenetic location: 10q22.1.
Variant type: single nucleotide variant.
Coding change: c.8444G>A on transcript NM_022124.6 (MANE Select); coding-DNA position 8444, G replaced by A.
Protein change: p.Arg2815His; replaces arginine 2815 with histidine.
Molecular consequence: missense variant.
Genome position (GRCh38, 1-based): chr10:71,807,651, G>A. VCF-style: chr10-71807651-G-A. GRCh37 (hg19) VCF-style: chr10-73567408-G-A.
Other names: c.1724G>A, p.Arg575His (NM_001171933.1, NM_001171934.1); short protein forms R2815H, R575H.
Identifiers: ClinVar variation 668422 (VCV000668422.22), dbSNP rs376835293, ClinGen allele CA5546656.